The following is an entry in ClinVar:

NC_000018.9:g.(?_2656075)_(2688765_?)del

Gene: SMCHD1 (structural maintenance of chromosomes flexible hinge domain containing 1; plus strand). Cytogenetic location: 18p11.32.
Variant type: Deletion.
Identifiers: ClinVar variation 2426131 (VCV002426131.3).

ClinVar aggregate classification (germline): Pathogenic (1 of 4 stars; one submission).

Conditions:
Facioscapulohumeral muscular dystrophy 2 (FSHD2). Also called: FACIOSCAPULOHUMERAL MUSCULAR DYSTROPHY 2, DIGENIC; FSHD2, DIGENIC; MUSCULAR DYSTROPHY, FACIOSCAPULOHUMERAL, TYPE 1B. Identifiers: Orphanet 269, MedGen C1834671, MONDO:0008031, OMIM 158901.

Submission:

Labcorp Genetics (formerly Invitae), Labcorp
Classification: Pathogenic for Facioscapulohumeral muscular dystrophy 2. Last evaluated: 2022-05-05. Review status: criteria provided, single submitter. Criteria: Invitae Variant Classification Sherloc (09022015). Collection method: clinical testing. Allele origin: germline.
Comment: This variant is a gross deletion of the genomic region encompassing exon(s) 1-7 of the SMCHD1 gene, which includes the initiator codon. This deletion extends beyond the assayed region for this gene and therefore may encompass additional genes. It is expected to result in an absent or disrupted protein product. Loss-of-function variants in SMCHD1 are known to be pathogenic (PMID: 23143600). This variant has not been reported in the literature in individuals affected with SMCHD1-related conditions. For these reasons, this variant has been classified as Pathogenic.

Literature cited by the submitters: PubMed 23143600.